The following is an entry in ClinVar:

NM_017617.5(NOTCH1):c.7397C>T (p.Thr2466Met)

Gene: NOTCH1 (notch receptor 1; minus strand). Cytogenetic location: 9q34.3.
Variant type: single nucleotide variant.
Coding change: c.7397C>T on transcript NM_017617.5 (MANE Select); coding-DNA position 7397, C replaced by T.
Protein change: p.Thr2466Met; replaces threonine 2466 with methionine.
Molecular consequence: missense variant.
Genome position (GRCh38, 1-based): chr9:136,496,342, G>A on the plus strand (C>T on the coding strand, the complement: NOTCH1 is on the minus strand). VCF-style: chr9-136496342-G-A. GRCh37 (hg19) VCF-style: chr9-139390794-G-A.
Other names: c.7397C>T, p.Thr2466Met (LRG_1122t1); c.7397C>T (NM_017617.4); short protein forms T2466M.
Identifiers: ClinVar variation 241169 (VCV000241169.21), dbSNP rs369167555, ClinGen allele CA5339679.
Genomic context (GRCh38, chr9:136,496,342, plus strand): 5'-GAGGGGGGCGTCAGGAACTGGGCTGCGGTCACGGGTGGGACCAGCGAGGATGGCAGCGAC[G>A]TGGGCAGGGCGGGGCTCTCCTGGGGCAGAATAGTGTGCACCGCCAGGCTGCTGGGGCCCA-3'
Protein context (NP_060087.3, residues 2456-2476): ILPQESPALP[Thr2466Met]SLPSSLVPPV

ClinVar aggregate classification (germline): Conflicting classifications of pathogenicity. Review status: criteria provided, conflicting classifications (1 of 4 stars). 10 submissions from 9 submitters: Uncertain significance (5); Benign (1); Likely benign (1). 3 of the submissions do not count toward it. Last evaluated 2026-01-11.

Conditions:
NOTCH1-related disorder. Also called: NOTCH1-related disorders; NOTCH1-related condition.
Adams-Oliver syndrome 5 (AOS5). Identifiers: Orphanet 974, MedGen C4014970, MONDO:0014459, OMIM 616028.
Familial thoracic aortic aneurysm and aortic dissection (TAAD). Also called: Thoracic aortic aneurysms and dissections. Identifiers: Orphanet 91387, MedGen C4707243, MONDO:0019625.
Aortic valve disease 1 (AOVD1). Identifiers: MedGen C3887892, MONDO:0024523, OMIM 109730.

Allele frequency attached by ClinVar (database versions not stated): ExAC 0.00004; gnomAD exomes 0.00004 and 0.00015; TOPMed 0.00005; gnomAD 0.00007; ESP Exome Variant Server 0.00008.

Submissions (10):

Labcorp Genetics (formerly Invitae), Labcorp
Classification: Benign for Adams-Oliver syndrome 5. Last evaluated: 2026-01-11. Review status: criteria provided, single submitter. Criteria: Invitae Variant Classification Sherloc (09022015). Collection method: clinical testing. Allele origin: germline.

GeneDx
Classification: Uncertain significance. Last evaluated: 2025-02-18. Review status: criteria provided, single submitter. Criteria: GeneDx Variant Classification Process June 2021. Collection method: clinical testing. Allele origin: germline. Affected: yes.
Comment: In silico analysis indicates that this missense variant does not alter protein structure/function; This variant is associated with the following publications: (PMID: 26096009, 26820064, 34387215)

Blueprint Genetics
Classification: Likely benign. Last evaluated: 2024-07-16. Review status: criteria provided, single submitter. Criteria: ACMG Guidelines, 2015. Collection method: clinical testing. Allele origin: germline.

Ambry Genetics
Classification: Uncertain significance for Familial thoracic aortic aneurysm and aortic dissection. Last evaluated: 2023-06-02. Review status: criteria provided, single submitter. Criteria: Ambry Variant Classification Scheme 2023. Collection method: clinical testing. Allele origin: germline.
Comment: The p.T2466M variant (also known as c.7397C>T), located in coding exon 34 of the NOTCH1 gene, results from a C to T substitution at nucleotide position 7397. The threonine at codon 2466 is replaced by methionine, an amino acid with similar properties. This alteration has been reported in an individual with hypoplastic left heart syndrome (Kerstjens-Frederikse WS et al. Genet. Med., 2016 09;18:914-23). This amino acid position is well conserved in available vertebrate species. In addition, this alteration is predicted to be tolerated by in silico analysis. Since supporting evidence is limited at this time, the clinical significance of this alteration remains unclear.

PreventionGenetics, part of Exact Sciences
Classification: Uncertain significance for NOTCH1-related condition. Last evaluated: 2023-03-24. Review status: criteria provided, single submitter. Criteria: ACMG Guidelines, 2015. Collection method: clinical testing. Allele origin: germline.
Comment: The NOTCH1 c.7397C>T variant is predicted to result in the amino acid substitution p.Thr2466Met. This variant, interpreted as likely benign, has been reported in patient with hypoplastic left heart syndrome and was found to be inherited from a father with a normal echocardiogram (Table S1 in Kerstjens-Frederikse et al. 2016. PubMed ID: 26820064). This variant is reported in 0.0081% of alleles in individuals of European (Non-Finnish) descent in gnomAD. This variant has been interpreted as uncertain by multiple submitters in ClinVar. Although we suspect that this variant may be benign, at this time, the clinical significance of this variant is uncertain due to the absence of conclusive functional and genetic evidence.

Genome-Nilou Lab
Classification: Uncertain significance for Adams-Oliver syndrome 5. Last evaluated: 2022-03-15. Review status: criteria provided, single submitter. Criteria: ACMG Guidelines, 2015. Collection method: clinical testing. Allele origin: germline. Affected: no.

Genome-Nilou Lab
Classification: Uncertain significance for Aortic valve disease 1. Last evaluated: 2022-03-15. Review status: criteria provided, single submitter. Criteria: ACMG Guidelines, 2015. Collection method: clinical testing. Allele origin: germline. Affected: no.

Department of Pathology and Laboratory Medicine, Sinai Health System
Classification: Uncertain significance. Review status: no assertion criteria provided. Collection method: clinical testing. Allele origin: unknown. Affected: yes. Study: The Canadian Open Genetics Repository (COGR). Not counted in ClinVar's aggregate classification.
Comment: The NOTCH1 p.Thr2466Met variant was identified in the literature in a patient with hypoplastic left heart syndrome (Kerstjens-Frederikse_2016_PMID:26820064). The variant was identified in dbSNP (ID: rs369167555) and ClinVar (classified as uncertain significance by Invitae and GeneDx). The variant was identified in control databases in 9 of 216528 chromosomes at a frequency of 0.00004157 (Genome Aggregation Database March 6, 2019, v2.1.1). The variant was observed in the following populations: European (non-Finnish) in 8 of 98176 chromosomes (freq: 0.000081) and Latino in 1 of 30988 chromosomes (freq: 0.000032), but was not observed in the African, Ashkenazi Jewish, East Asian, European (Finnish), Other, or South Asian populations. The p.Thr2466 residue is conserved in mammals and computational analyses (PolyPhen-2, SIFT, AlignGVGD, BLOSUM, MutationTaster) provide inconsistent predictions regarding the impact to the protein; this information is not very predictive of pathogenicity. The variant occurs outside of the splicing consensus sequence and in silico or computational prediction software programs (SpliceSiteFinder, MaxEntScan, NNSPLICE, GeneSplicer) do not predict a difference in splicing. In summary, based on the above information the clinical significance of this variant cannot be determined with certainty at this time. This variant is classified as a variant of uncertain significance.

Genome Diagnostics Laboratory, University Medical Center Utrecht
Classification: Uncertain significance. Review status: no assertion criteria provided. Collection method: clinical testing. Allele origin: germline. Affected: yes. Study: VKGL Data-share Consensus. Not counted in ClinVar's aggregate classification.

Joint Genome Diagnostic Labs from Nijmegen and Maastricht, Radboudumc and MUMC+
Classification: Uncertain significance. Review status: no assertion criteria provided. Collection method: clinical testing. Allele origin: germline. Affected: yes. Study: VKGL Data-share Consensus. Not counted in ClinVar's aggregate classification.

Literature cited by the submitters: PubMed 26820064 (cited by Ambry Genetics).